The following is an entry in ClinVar:

NM_001182.5(ALDH7A1):c.1415+1G>T

Gene: ALDH7A1 (aldehyde dehydrogenase 7 family member A1; minus strand). Cytogenetic location: 5q23.2.
Variant type: single nucleotide variant.
Coding change: c.1415+1G>T on transcript NM_001182.5 (MANE Select); the canonical splice donor site of the intron after coding-DNA position 1415, G replaced by T.
Molecular consequence: splice donor variant.
Genome position (GRCh38, 1-based): chr5:126,550,195, C>A on the plus strand (G>T on the coding strand, the complement: ALDH7A1 is on the minus strand). VCF-style: chr5-126550195-C-A. GRCh37 (hg19) VCF-style: chr5-125885887-C-A.
Other names: c.1223+1G>T (NM_001202404.2); c.1331+1G>T (NM_001201377.2).
Identifiers: ClinVar variation 2971461 (VCV002971461.3), dbSNP rs2480252564, ClinGen allele CA360721315.

ClinVar aggregate classification (germline): Pathogenic (1 of 4 stars; one submission).

Conditions:
Pyridoxine-dependent epilepsy (EPEO4). Also called: PYRIDOXINE DEPENDENCY WITH SEIZURES; Pyridoxine-Dependent Seizures; EPILEPSY, EARLY-ONSET, 4, VITAMIN B6-DEPENDENT; Pyridoxine-Dependent Epilepsy - ALDH7A1. Identifiers: Orphanet 3006, MedGen C1849508, MONDO:0009945, OMIM 266100. Disease mechanism: loss of function.

Submission:

Labcorp Genetics (formerly Invitae), Labcorp
Classification: Pathogenic for Pyridoxine-dependent epilepsy. Last evaluated: 2023-07-29. Review status: criteria provided, single submitter. Criteria: Invitae Variant Classification Sherloc (09022015). Collection method: clinical testing. Allele origin: germline.
Comment: This sequence change affects a donor splice site in intron 15 of the ALDH7A1 gene. It is expected to disrupt RNA splicing. Variants that disrupt the donor or acceptor splice site typically lead to a loss of protein function (PMID: 16199547), and loss-of-function variants in ALDH7A1 are known to be pathogenic (PMID: 16491085, 20554659). This variant is not present in population databases (gnomAD no frequency). Disruption of this splice site has been observed in individual(s) with pyridoxine-dependent epilepsy (PMID: 31737911). Algorithms developed to predict the effect of sequence changes on RNA splicing suggest that this variant may disrupt the consensus splice site. For these reasons, this variant has been classified as Pathogenic.

Literature cited by the submitters: PubMed 16199547; PubMed 16491085; PubMed 20554659; PubMed 31737911.